The following is an entry in ClinVar:

NM_001369.3(DNAH5):c.1633_1635delinsCTTATACACATCTGTGATCGTC (p.Asn545fs)

Gene: DNAH5 (dynein axonemal heavy chain 5; minus strand). Cytogenetic location: 5p15.2.
Variant type: Indel.
Coding change: c.1633_1635delinsCTTATACACATCTGTGATCGTC on transcript NM_001369.3 (MANE Select); coding-DNA positions 1633 to 1635, AAT replaced by CTTATACACATCTGTGATCGTC.
Protein change: p.Asn545fs; shifts the reading frame from asparagine 545.
Molecular consequence: frameshift variant.
Genome position (GRCh38, 1-based): chr5:13,911,395-13,911,397, ATT replaced by GACGATCACAGATGTGTATAAG on the plus strand (AAT replaced by CTTATACACATCTGTGATCGTC on the coding strand, the reverse complement: DNAH5 is on the minus strand). VCF-style: chr5-13911395-ATT-GACGATCACAGATGTGTATAAG. GRCh37 (hg19) VCF-style: chr5-13911504-ATT-GACGATCACAGATGTGTATAAG.
Other names: short protein forms N545fs.
Identifiers: ClinVar variation 5011154 (VCV005011154.1).

ClinVar aggregate classification (germline): Pathogenic (1 of 4 stars; one submission).

Conditions:
Primary ciliary dyskinesia 3. Identifiers: Orphanet 244, MedGen C1837618, MONDO:0012085, OMIM 608644.

Submission:

Myriad Genetics, Inc.
Classification: Pathogenic for Primary ciliary dyskinesia 3. Last evaluated: 2024-05-14. Review status: criteria provided, single submitter. Criteria: Myriad Autosomal Dominant, Autosomal Recessive and X-Linked Classification Criteria (2023). Collection method: clinical testing. Allele origin: unknown.
Comment: NM_001369.2(DNAH5):c.1633_1635del3ins22(N545Lfs*11) is expected to be pathogenic in the context of primary ciliary dyskinesia, DNAH5-related. This variant is predicted to lead to an abnormal or absent protein product due to the creation of a premature termination codon in DNAH5, a gene where loss-of-function variants are known to be pathogenic. Please note: this variant was assessed in the context of healthy population screening.